The following is an entry in ClinVar:

ClinVar aggregate classification (germline): Conflicting classifications of pathogenicity. Review status: criteria provided, conflicting classifications (1 of 4 stars). 2 submissions from 2 submitters: Uncertain significance (1); Likely benign (1). Last evaluated 2024-04-18.

Allele frequency attached by ClinVar (database versions not stated): gnomAD 0.00005; gnomAD exomes 0.00006 and 0.00010; TOPMed 0.00008; ExAC 0.00010; 1000 Genomes Project 0.00060; 1000 Genomes Project 30x 0.00062.
gnomAD v4.1: 123 of 1,614,060 alleles (0.0076%); highest among the groups gnomAD compares: South Asian, 0.079%; 1 homozygote.

Submissions (2):

Labcorp Genetics (formerly Invitae), Labcorp
Classification: Uncertain significance. Last evaluated: 2024-04-18. Review status: criteria provided, single submitter. Criteria: Invitae Variant Classification Sherloc (09022015). Collection method: clinical testing. Allele origin: germline.
Comment: This sequence change replaces methionine, which is neutral and non-polar, with isoleucine, which is neutral and non-polar, at codon 793 of the MCM2 protein (p.Met793Ile). This variant is present in population databases (rs200244254, gnomAD 0.05%), and has an allele count higher than expected for a pathogenic variant. This variant has not been reported in the literature in individuals affected with MCM2-related conditions. ClinVar contains an entry for this variant (Variation ID: 1317566). Advanced modeling of protein sequence and biophysical properties (such as structural, functional, and spatial information, amino acid conservation, physicochemical variation, residue mobility, and thermodynamic stability) performed at Invitae indicates that this missense variant is not expected to disrupt MCM2 protein function with a negative predictive value of 80%. In summary, the available evidence is currently insufficient to determine the role of this variant in disease. Therefore, it has been classified as a Variant of Uncertain Significance.

GeneDx
Classification: Likely benign. Last evaluated: 2018-06-29. Review status: criteria provided, single submitter. Criteria: GeneDx Variant Classification Process June 2021. Collection method: clinical testing. Allele origin: germline. Affected: yes.

NM_004526.4(MCM2):c.2379G>A (p.Met793Ile)

Genes: MCM2 (minichromosome maintenance complex component 2; plus strand), LOC107986126 (uncharacterized LOC107986126; minus strand). Cytogenetic location: 3q21.3.
Variant type: single nucleotide variant.
Coding change: c.2379G>A on transcript NM_004526.4 (MANE Select); coding-DNA position 2379, G replaced by A.
Protein change: p.Met793Ile; replaces methionine 793 with isoleucine.
Molecular consequence: missense variant. On other transcripts: non-coding transcript variant (1).
Genome position (GRCh38, 1-based): chr3:127,620,811, G>A. VCF-style: chr3-127620811-G-A. GRCh37 (hg19) VCF-style: chr3-127339654-G-A.
Other names: short protein forms M793I.
Identifiers: ClinVar variation 1317566 (VCV001317566.9), dbSNP rs200244254, ClinGen allele CA2596213.